The following is an entry in ClinVar:

NM_177438.3(DICER1):c.4740G>C (p.Gln1580His)

Gene: DICER1 (dicer 1, ribonuclease III; minus strand). Cytogenetic location: 14q32.13.
Variant type: single nucleotide variant.
Coding change: c.4740G>C on transcript NM_177438.3 (MANE Select); coding-DNA position 4740, G replaced by C.
Protein change: p.Gln1580His; replaces glutamine 1580 with histidine.
Molecular consequence: missense variant. On other transcripts: non-coding transcript variant (6).
Genome position (GRCh38, 1-based): chr14:95,096,180, C>G on the plus strand (G>C on the coding strand, the complement: DICER1 is on the minus strand). VCF-style: chr14-95096180-C-G. GRCh37 (hg19) VCF-style: chr14-95562517-C-G.
Other names: c.4740G>C, p.Gln1580His (NM_001195573.1, NM_001271282.3, NM_001291628.2 and 13 more transcripts); c.4458G>C, p.Gln1486His (NM_001395686.1); c.4335G>C, p.Gln1445His (NM_001395687.1, NM_001395688.1, NM_001395689.1 and 2 more transcripts); c.4173G>C, p.Gln1391His (NM_001395691.1); c.3057G>C, p.Gln1019His (NM_001395697.1); short protein forms Q1445H, Q1486H, Q1391H, Q1019H, Q1580H.
Identifiers: ClinVar variation 1742773 (VCV001742773.3), dbSNP rs369465519, ClinGen allele CA390867368.

ClinVar aggregate classification (germline): Uncertain significance. Review status: criteria provided, multiple submitters, no conflicts (2 of 4 stars). 2 submissions from 2 submitters: Uncertain significance (2). Last evaluated 2025-12-15.

Conditions:
Hereditary cancer-predisposing syndrome. Also called: Neoplastic Syndromes, Hereditary; Tumor predisposition; Hereditary Cancer Syndrome; Hereditary neoplastic syndrome. Identifiers: Orphanet 140162, MedGen C0027672, MeSH D009386, MONDO:0015356.
DICER1-related tumor predisposition. Also called: DICER1 syndrome; DICER1-related pleuropulmonary blastoma cancer predisposition syndrome. Identifiers: Orphanet 284343, MedGen C3839822, MONDO:0100216.

Submissions (2):

Labcorp Genetics (formerly Invitae), Labcorp
Classification: Uncertain significance for DICER1-related tumor predisposition. Last evaluated: 2025-12-15. Review status: criteria provided, single submitter. Criteria: Invitae Variant Classification Sherloc (09022015). Collection method: clinical testing. Allele origin: germline.
Comment: This sequence change replaces glutamine, which is neutral and polar, with histidine, which is basic and polar, at codon 1580 of the DICER1 protein (p.Gln1580His). This variant is not present in population databases (gnomAD no frequency). This variant has not been reported in the literature in individuals affected with DICER1-related conditions. ClinVar contains an entry for this variant (Variation ID: 1742773). Invitae Evidence Modeling of protein sequence and biophysical properties (such as structural, functional, and spatial information, amino acid conservation, physicochemical variation, residue mobility, and thermodynamic stability) indicates that this missense variant is not expected to disrupt DICER1 protein function with a negative predictive value of 95%. In summary, the available evidence is currently insufficient to determine the role of this variant in disease. Therefore, it has been classified as a Variant of Uncertain Significance.

Ambry Genetics
Classification: Uncertain significance for Hereditary cancer-predisposing syndrome. Last evaluated: 2020-12-09. Review status: criteria provided, single submitter. Criteria: Ambry Variant Classification Scheme 2023. Collection method: clinical testing. Allele origin: germline.
Comment: The p.Q1580H variant (also known as c.4740G>C), located in coding exon 22 of the DICER1 gene, results from a G to C substitution at nucleotide position 4740. The glutamine at codon 1580 is replaced by histidine, an amino acid with highly similar properties. This amino acid position is highly conserved in available vertebrate species. In addition, this alteration is predicted to be deleterious by in silico analysis. Since supporting evidence is limited at this time, the clinical significance of this alteration remains unclear.